The following is an entry in ClinVar:

ClinVar aggregate classification (germline): Likely benign (1 of 4 stars; one submission).

Allele frequency attached by ClinVar (database versions not stated): ExAC 0.00011; ESP Exome Variant Server 0.00015.
gnomAD v4.1: 72 of 1,614,012 alleles (0.0045%); highest among the groups gnomAD compares: Non-Finnish European, 0.0057%; no homozygotes.

Submission:

CeGaT Center for Human Genetics Tuebingen
Classification: Likely benign. Last evaluated: 2023-11-01. Review status: criteria provided, single submitter. Criteria: CeGaT Center For Human Genetics Tuebingen Variant Classification Criteria Version 2. Collection method: clinical testing. Allele origin: germline. Affected: yes. Observed: 1 variant allele.
Comment: HLA-F: BP4, BP7

NM_001098479.2(HLA-F):c.852C>T (p.His284=)

Gene: HLA-F (major histocompatibility complex, class I, F; plus strand). Cytogenetic location: 6p22.1.
Variant type: single nucleotide variant.
Coding change: c.852C>T on transcript NM_001098479.2 (MANE Select); coding-DNA position 852, C replaced by T.
Protein change: p.His284=; no amino-acid change (histidine 284 retained).
Molecular consequence: synonymous variant. On other transcripts: intron variant (1).
Genome position (GRCh38, 1-based): chr6:29,725,272, C>T. VCF-style: chr6-29725272-C-T. GRCh37 (hg19) VCF-style: chr6-29693049-C-T.
Other names: c.852C>T, p.His284= (NM_018950.3); c.611-175C>T (NM_001098478.2).
Identifiers: ClinVar variation 2656325 (VCV002656325.24), dbSNP rs374197706, ClinGen allele CA3691214.